The following is an entry in ClinVar:

NM_002430.3(MN1):c.912GCA[7] (p.Gln309_His310insGln)

Gene: MN1 (MN1 proto-oncogene, transcriptional regulator; minus strand). Cytogenetic location: 22q12.1.
Variant type: Microsatellite.
Coding change: c.912GCA[7] on transcript NM_002430.3 (MANE Select); seven copies in a row of the 3-base unit GCA starting at c.912; the reference has six copies in a row; one copy, 3 bases duplicated.
Protein change: p.Gln309_His310insGln.
Molecular consequence: inframe insertion.
Genome position (GRCh38, 1-based): chr22:27,799,615-27,799,617, TGC duplicated on the plus strand (GCA on the coding strand, the reverse complement: MN1 is on the minus strand); duplicating any 3 consecutive bases within chr22:27,799,615-27,799,634 gives the same sequence; the position shown is the placement nearest the transcript's 3' end. VCF-style (leftmost placement, unchanged base first): chr22-27799614-A-ATGC. GRCh37 (hg19) VCF-style: chr22-28195602-A-ATGC.
Identifiers: ClinVar variation 2349061 (VCV002349061.5), dbSNP rs747503495, ClinGen allele CA10166496.
Genomic context (GRCh38, chr22:27,799,614, plus strand): 5'-TGAGGGCTCCAGACCCACAGGCATCTTTCTGGCCCCACTGAACCTCTCAAAGAACACACC[A>ATGC]TGCTGCTGCTGCTGCTGCTGGGGCTGCTGCTGCTGCTGGGGCTGCTGCTGCGGTGGCTGG-3'

ClinVar aggregate classification (germline): Benign/Likely benign. Review status: criteria provided, multiple submitters, no conflicts (2 of 4 stars). 3 submissions from 3 submitters: Benign (1); Likely benign (1). 1 of the submissions does not count toward it. Last evaluated 2026-09-01.

Conditions:
MN1-related disorder. Also called: MN1-related condition.
Inborn genetic diseases. Identifiers: MedGen C0950123, MeSH D030342.

Submissions (3):

CeGaT Center for Human Genetics Tuebingen
Classification: Likely benign. Last evaluated: 2026-09-01. Review status: criteria provided, single submitter. Criteria: CeGaT Center For Human Genetics Tuebingen Variant Classification Criteria Version 2. Collection method: clinical testing. Allele origin: germline. Affected: yes. Observed: 1 variant allele.
Comment: MN1: BS1

Ambry Genetics
Classification: Benign for Inborn genetic diseases. Last evaluated: 2021-11-25. Review status: criteria provided, single submitter. Criteria: Ambry Variant Classification Scheme 2023. Collection method: clinical testing. Allele origin: germline.

PreventionGenetics, part of Exact Sciences
Classification: Likely benign for MN1-related condition. Last evaluated: 2020-04-10. Review status: no assertion criteria provided. Collection method: clinical testing. Allele origin: germline. Not counted in ClinVar's aggregate classification.
Comment: This variant is classified as likely benign based on ACMG/AMP sequence variant interpretation guidelines (Richards et al. 2015 PMID: 25741868, with internal and published modifications).